The following is an entry in ClinVar:

ClinVar aggregate classification (germline): Uncertain significance (1 of 4 stars; one submission).

Submission:

GeneDx
Classification: Uncertain significance. Last evaluated: 2026-03-20. Review status: criteria provided, single submitter. Criteria: GeneDx Variant Classification Process June 2021. Collection method: clinical testing. Allele origin: germline.
Comment: Not observed at significant frequency in large population cohorts (gnomAD); In silico analysis supports that this missense variant has a deleterious effect on protein structure/function; Has not been previously published as pathogenic or benign to our knowledge

NM_001206998.2(ZNRF3):c.723G>C (p.Lys241Asn)

Genes: ZNRF3 (zinc and ring finger 3; plus strand), LOC121627938 (Sharpr-MPRA regulatory region 3696; plus strand). Cytogenetic location: 22q12.1.
Variant type: single nucleotide variant.
Coding change: c.723G>C on transcript NM_001206998.2 (MANE Select); coding-DNA position 723, G replaced by C.
Protein change: p.Lys241Asn; replaces lysine 241 with asparagine.
Molecular consequence: missense variant.
Genome position (GRCh38, 1-based): chr22:29,044,869, G>C. VCF-style: chr22-29044869-G-C. GRCh37 (hg19) VCF-style: chr22-29440857-G-C.
Other names: c.423G>C, p.Lys141Asn (NM_032173.4); short protein forms K241N, K141N.
Identifiers: ClinVar variation 5009543 (VCV005009543.1).
Genomic context (GRCh38, chr22:29,044,869, plus strand): 5'-TTTCCTGGCTTTCTTCGTCGTGGTCTCCTTGGTCTGCCTCATCCTCCTTGTCAAAATCAA[G>C]CTGAAGCAGCGACGCAGTCAGGTAGTGCCTCTGTGTGTAGCCCGTGAGCAGTAACCCCTC-3'
Protein context (NP_001193927.1, residues 231-251): LVCLILLVKI[Lys241Asn]LKQRRSQNSM